The following is an entry in ClinVar:

NM_002485.5(NBN):c.1914+3G>A

Genes: NBN (nibrin; minus strand), LOC126860438 (MED14-independent group 3 enhancer GRCh37_chr8:90959982-90961181; plus strand). Cytogenetic location: 8q21.3.
Variant type: single nucleotide variant.
Coding change: c.1914+3G>A on transcript NM_002485.5 (MANE Select); 3 bases into the intron after coding-DNA position 1914, G replaced by A.
Molecular consequence: intron variant.
Genome position (GRCh38, 1-based): chr8:89,947,821, C>T on the plus strand (G>A on the coding strand, the complement: NBN is on the minus strand). VCF-style: chr8-89947821-C-T. GRCh37 (hg19) VCF-style: chr8-90960049-C-T.
Other names: c.1668+3G>A (NM_001024688.3).
Identifiers: ClinVar variation 483978 (VCV000483978.14), dbSNP rs1554556878, ClinGen allele CA658657786.

ClinVar aggregate classification (germline): Uncertain significance. Review status: criteria provided, multiple submitters, no conflicts (2 of 4 stars). 3 submissions from 3 submitters: Uncertain significance (3). Last evaluated 2023-01-02.

Conditions:
Hereditary cancer-predisposing syndrome. Also called: Hereditary neoplastic syndrome; Neoplastic Syndromes, Hereditary; Tumor predisposition; Hereditary Cancer Syndrome. Identifiers: Orphanet 140162, MedGen C0027672, MeSH D009386, MONDO:0015356.
Microcephaly, normal intelligence and immunodeficiency (NBS). Also called: IMMUNODEFICIENCY, MICROCEPHALY, AND CHROMOSOMAL INSTABILITY; SEEMANOVA SYNDROME II; Nijmegen breakage syndrome; Microcephaly with normal intelligence immunodeficiency and lymphoreticular malignancies; Nonsyndromal microcephaly autosomal recessive with normal intelligence; Seemanova syndrome 2. Identifiers: Orphanet 647, MedGen C0398791, MONDO:0009623, OMIM 251260.

Submissions (3):

Labcorp Genetics (formerly Invitae), Labcorp
Classification: Uncertain significance for Microcephaly, normal intelligence and immunodeficiency. Last evaluated: 2023-01-02. Review status: criteria provided, single submitter. Criteria: Invitae Variant Classification Sherloc (09022015). Collection method: clinical testing. Allele origin: germline.
Comment: In summary, the available evidence is currently insufficient to determine the role of this variant in disease. Therefore, it has been classified as a Variant of Uncertain Significance. Variants that disrupt the consensus splice site are a relatively common cause of aberrant splicing (PMID: 17576681, 9536098). Algorithms developed to predict the effect of sequence changes on RNA splicing suggest that this variant may create or strengthen a splice site. ClinVar contains an entry for this variant (Variation ID: 483978). This variant has not been reported in the literature in individuals affected with NBN-related conditions. This variant is not present in population databases (gnomAD no frequency). This sequence change falls in intron 12 of the NBN gene. It does not directly change the encoded amino acid sequence of the NBN protein. It affects a nucleotide within the consensus splice site.

Genome-Nilou Lab
Classification: Uncertain significance for Microcephaly, normal intelligence and immunodeficiency. Last evaluated: 2021-11-07. Review status: criteria provided, single submitter. Criteria: ACMG Guidelines, 2015. Collection method: clinical testing. Allele origin: germline. Affected: no.

Ambry Genetics
Classification: Uncertain significance for Hereditary cancer-predisposing syndrome. Last evaluated: 2016-10-24. Review status: criteria provided, single submitter. Criteria: Ambry Variant Classification Scheme 2023. Collection method: clinical testing. Allele origin: germline.
Comment: The c.1914+3G>A intronic variant results from a G to A substitution 3 nucleotides after coding exon 12 in the NBN gene. This variant was not reported in population based cohorts in the following databases: Database of Single Nucleotide Polymorphisms (dbSNP), NHLBI Exome Sequencing Project (ESP), and 1000 Genomes Project. In the ESP, this variant was not observed in 6493 samples (12986 alleles) with coverage at this position. To date, this alteration has been detected with an allele frequency of approximately 0.001% (greater than 175000 alleles tested) in our clinical cohort. This nucleotide position is not well conserved in available vertebrate species. Using the BDGP and ESEfinder splice site prediction tools, this alteration is not predicted to have any significant effect on this splice donor site; however, direct evidence is unavailable. Since supporting evidence is limited at this time, the clinical significance of this alteration remains unclear.

Literature cited by the submitters: PubMed 17576681 (cited by Labcorp Genetics (formerly Invitae), Labcorp); PubMed 9536098 (cited by Labcorp Genetics (formerly Invitae), Labcorp).